The following is an entry in ClinVar:

NM_001164508.2(NEB):c.12738del (p.Ile4246fs)

Gene: NEB (nebulin; minus strand). Cytogenetic location: 2q23.3.
Variant type: Deletion.
Coding change: c.12738del on transcript NM_001164508.2 (MANE Select); coding-DNA position 12738, one base deleted (T; older notation c.12738delT).
Protein change: p.Ile4246fs; shifts the reading frame from isoleucine 4246.
Molecular consequence: frameshift variant. On other transcripts: intron variant (1).
Genome position (GRCh38, 1-based): chr2:151,606,615, A deleted on the plus strand (T on the coding strand, the reverse complement: NEB is on the minus strand); the first of 2 consecutive A bases (chr2:151,606,615-151,606,616); deleting either gives the same sequence. VCF-style (leftmost placement, unchanged base first): chr2-151606614-CA-C. GRCh37 (hg19) VCF-style: chr2-152463128-CA-C.
Other names: c.12738del, p.Ile4246fs (NM_001164507.2, NM_001271208.2); c.11601+3194del (NM_004543.5); short protein forms I4246fs.
Identifiers: ClinVar variation 950613 (VCV000950613.9), dbSNP rs2097711696, ClinGen allele CA1139657239.

ClinVar aggregate classification (germline): Pathogenic (1 of 4 stars; one submission).

Conditions:
Nemaline myopathy 2 (NEM2). Also called: Nemaline myopathy 2, autosomal recessive. Identifiers: MedGen C1850569, MONDO:0009725, OMIM 256030.

Submission:

Labcorp Genetics (formerly Invitae), Labcorp
Classification: Pathogenic for Nemaline myopathy 2. Last evaluated: 2021-01-23. Review status: criteria provided, single submitter. Criteria: Invitae Variant Classification Sherloc (09022015). Collection method: clinical testing. Allele origin: germline.
Comment: For these reasons, this variant has been classified as Pathogenic. Loss-of-function variants in NEB are known to be pathogenic (PMID: 25205138). This variant has not been reported in the literature in individuals with NEB-related conditions. This sequence change creates a premature translational stop signal (p.Ile4246Metfs*62) in the NEB gene. It is expected to result in an absent or disrupted protein product. This variant occurs in a region of NEB (Exons 82-105) consisting of three highly homologous 8-exon repeat units (exons 82-89, exons 90-97, exons 98-105). Sequence variants in this region can be detected, but this assay cannot determine which of the three repeat units is affected, and zygosity is often ambiguous. All variants in this region are reported relative to the exon 82-89 repeat.

Literature cited by the submitters: PubMed 25205138.